The following is an entry in ClinVar:

NM_024675.4(PALB2):c.1311A>G (p.Lys437=)

Gene: PALB2 (partner and localizer of BRCA2; minus strand). Cytogenetic location: 16p12.2.
Variant type: single nucleotide variant.
Coding change: c.1311A>G on transcript NM_024675.4 (MANE Select); coding-DNA position 1311, A replaced by G.
Protein change: p.Lys437=; no amino-acid change (lysine 437 retained).
Molecular consequence: synonymous variant.
Genome position (GRCh38, 1-based): chr16:23,635,235, T>C on the plus strand (A>G on the coding strand, the complement: PALB2 is on the minus strand). VCF-style: chr16-23635235-T-C. GRCh37 (hg19) VCF-style: chr16-23646556-T-C.
Identifiers: ClinVar variation 184531 (VCV000184531.35), dbSNP rs190489275, ClinGen allele CA189217.
Genomic context (GRCh38, chr16:23,635,235, plus strand): 5'-TTCCTCATTGGAAAGGTTTAAATTTTTACTTGCATCCTTATTTTTATTTTTAAACCCTTT[T>C]TTCTTGACATCCAAATGACTCTGAATGACAGCCTCCACGGCTACTTTCCTCTGGCAATTG-3'
Protein context (NP_078951.2, residues 427-447): AVIQSHLDVK[Lys437=]KGFKNKNKDA

ClinVar aggregate classification (germline): Benign/Likely benign. Review status: criteria provided, multiple submitters, no conflicts (2 of 4 stars). 13 submissions from 13 submitters: Benign (3); Likely benign (8). 2 of the submissions do not count toward it. Last evaluated 2026-01-25.

Conditions:
Pancreatic cancer, susceptibility to, 3. Identifiers: Orphanet 1333, MedGen C3150547, MONDO:0013236, OMIM 613348.
Fanconi anemia complementation group N. Also called: PALB2-Related Fanconi Anemia. Identifiers: Orphanet 84, MedGen C1835817, MONDO:0012565, OMIM 610832. Disease mechanism: loss of function.
Breast-ovarian cancer, familial, susceptibility to, 5 (BROVCA5). Identifiers: MedGen C5830615, MONDO:0957530, OMIM 620442.
PALB2-related disorder. Also called: PALB2-related condition; PALB2-related disorders.
Hereditary cancer-predisposing syndrome. Also called: Tumor predisposition; Neoplastic Syndromes, Hereditary; Hereditary neoplastic syndrome; Hereditary Cancer Syndrome. Identifiers: Orphanet 140162, MedGen C0027672, MeSH D009386, MONDO:0015356.
Breast and/or ovarian cancer. Identifiers: MedGen CN221562.
Familial cancer of breast. Also called: hereditary breast carcinoma; BREAST CANCER, FAMILIAL; Hereditary breast cancer. Identifiers: Orphanet 227535, MedGen C0346153, MONDO:0016419, OMIM 114480. Disease mechanism: loss of function.

Allele frequency attached by ClinVar (database versions not stated): gnomAD exomes 0.00010 and 0.00007; ExAC 0.00013; 1000 Genomes Project 30x 0.00016; 1000 Genomes Project 0.00020; TOPMed 0.00001; gnomAD 0.00002 and 0.00001.
gnomAD v4.1: 102 of 1,614,196 alleles (0.0063%); highest among the groups gnomAD compares: South Asian, 0.098%; 1 homozygote.

Submissions (13):

Labcorp Genetics (formerly Invitae), Labcorp
Classification: Likely benign for Familial cancer of breast. Last evaluated: 2026-01-25. Review status: criteria provided, single submitter. Criteria: Invitae Variant Classification Sherloc (09022015). Collection method: clinical testing. Allele origin: germline.

Quest Diagnostics Nichols Institute San Juan Capistrano
Classification: Benign. Last evaluated: 2025-06-27. Review status: criteria provided, single submitter. Criteria: Quest Diagnostics criteria. Collection method: clinical testing. Allele origin: unknown.

Blueprint Genetics
Classification: Likely benign. Last evaluated: 2024-10-25. Review status: criteria provided, single submitter. Criteria: ACMG Guidelines, 2015. Collection method: clinical testing. Allele origin: germline.

Myriad Genetics, Inc.
Classification: Benign for Familial cancer of breast. Last evaluated: 2023-03-30. Review status: criteria provided, single submitter. Criteria: Myriad Autosomal Dominant, Autosomal Recessive and X-Linked Classification Criteria (2023). Collection method: clinical testing. Allele origin: unknown.
Comment: This variant is considered benign. This variant is a silent/synonymous amino acid change and it is not expected to impact splicing.

Department of Pathology and Laboratory Medicine, Sinai Health System
Classification: Likely benign for Fanconi anemia complementation group N; Pancreatic cancer, susceptibility to, 3; Breast-ovarian cancer, familial, susceptibility to, 5. Last evaluated: 2023-02-27. Review status: criteria provided, single submitter. Criteria: ACMG Guidelines, 2015. Collection method: clinical testing. Allele origin: germline. Affected: no.

CHEO Genetics Diagnostic Laboratory, Children's Hospital of Eastern Ontario
Classification: Likely benign for Breast and/or ovarian cancer. Last evaluated: 2022-08-29. Review status: criteria provided, single submitter. Criteria: ACMG Guidelines, 2015. Collection method: clinical testing. Allele origin: germline.

Mendelics
Classification: Likely benign for Familial cancer of breast. Last evaluated: 2019-05-28. Review status: criteria provided, single submitter. Criteria: Mendelics Assertion Criteria 2017. Collection method: clinical testing. Allele origin: unknown.

Women's Health and Genetics/Laboratory Corporation of America, LabCorp
Classification: Likely benign. Last evaluated: 2017-10-12. Review status: criteria provided, single submitter. Criteria: LabCorp Variant Classification Summary - May 2015. Collection method: clinical testing. Allele origin: germline.
Comment: Variant summary: The PALB2 c.1311A>G (p.Lys437Lys) variant involves the alteration of a non-conserved nucleotide, resulting in a synonymous change. One in silico tool predicts a damaging outcome for this variant. 4/5 splice prediction tools predict no significant impact on normal splicing. ESE finder predicts that this variant may affect ESE site of SRp40. However, these predictions have yet to be confirmed by functional studies. This variant was found in 24/245714 control chromosomes, predominantly observed in the South Asian subpopulation at a frequency of 0.000715 (22/30766). This frequency is about 5 times the estimated maximal expected allele frequency of a pathogenic PALB2 variant (0.0001563), suggesting this is likely a benign polymorphism found primarily in the populations of South Asian origin. In addition, multiple clinical diagnostic laboratories/reputable databases classified this variant as likely benign. The variant of interest has not, to our knowledge, been reported in affected individuals via publications; nor evaluated for functional impact by in vivo/vitro studies. Taken together, this variant is classified as likely benign.

Color Diagnostics, LLC DBA Color Health
Classification: Likely benign for Hereditary cancer-predisposing syndrome. Last evaluated: 2016-11-15. Review status: criteria provided, single submitter. Criteria: ACMG Guidelines, 2015. Collection method: clinical testing. Allele origin: germline.

Ambry Genetics
Classification: Likely benign for Hereditary cancer-predisposing syndrome. Last evaluated: 2015-03-10. Review status: criteria provided, single submitter. Criteria: Ambry Variant Classification Scheme 2023. Collection method: clinical testing. Allele origin: germline.

GeneDx
Classification: Benign. Last evaluated: 2015-03-03. Review status: criteria provided, single submitter. Criteria: GeneDx Variant Classification Process June 2021. Collection method: clinical testing. Allele origin: germline. Affected: yes.

PreventionGenetics, part of Exact Sciences
Classification: Likely benign for PALB2-related condition. Last evaluated: 2021-03-22. Review status: no assertion criteria provided. Collection method: clinical testing. Allele origin: germline. Not counted in ClinVar's aggregate classification.
Comment: This variant is classified as likely benign based on ACMG/AMP sequence variant interpretation guidelines (Richards et al. 2015 PMID: 25741868, with internal and published modifications).

Counsyl
Classification: Likely benign for Familial cancer of breast. Last evaluated: 2016-07-27. Review status: no assertion criteria provided. Collection method: clinical testing. Allele origin: unknown. Not counted in ClinVar's aggregate classification.

Literature cited by the submitters: PubMed 30309218 (cited by Quest Diagnostics Nichols Institute San Juan Capistrano).